The following is an entry in ClinVar:

NM_006767.4(LZTR1):c.1901A>G (p.Gln634Arg)

Gene: LZTR1 (leucine zipper like post translational regulator 1; plus strand). Cytogenetic location: 22q11.21.
Variant type: single nucleotide variant.
Coding change: c.1901A>G on transcript NM_006767.4 (MANE Select); coding-DNA position 1901, A replaced by G.
Protein change: p.Gln634Arg; replaces glutamine 634 with arginine.
Molecular consequence: missense variant.
Genome position (GRCh38, 1-based): chr22:20,994,985, A>G. VCF-style: chr22-20994985-A-G. GRCh37 (hg19) VCF-style: chr22-21349274-A-G.
Other names: short protein forms Q634R.
Identifiers: ClinVar variation 2447763 (VCV002447763.2), dbSNP rs770312150, ClinGen allele CA410778693.
Genomic context (GRCh38, chr22:20,994,985, plus strand): 5'-TGAAGGAGTTCGAGCGCCTCTCCTCTCCACTGATAGTGGAGATTGTGCGGCGGAAGCAGC[A>G]GCCGCCCCCTCGCACTCCCTTGGACCAGCCAGTGGACATTGGTAGGGAGCCCCGTTCCCC-3'
Protein context (NP_006758.2, residues 624-644): LIVEIVRRKQ[Gln634Arg]PPPRTPLDQP

ClinVar aggregate classification (germline): Uncertain significance (1 of 4 stars; one submission).

Conditions:
Cardiovascular phenotype. Identifiers: MedGen CN230736.
Hereditary cancer-predisposing syndrome. Also called: Neoplastic Syndromes, Hereditary; Hereditary Cancer Syndrome; Tumor predisposition; Hereditary neoplastic syndrome. Identifiers: Orphanet 140162, MedGen C0027672, MeSH D009386, MONDO:0015356.

gnomAD v4.1: 1 of 1,613,032 alleles (0.000062%); highest among the groups gnomAD compares: East Asian, 0.0022%; no homozygotes.

Submission:

Ambry Genetics
Classification: Uncertain significance for Cardiovascular phenotype; Hereditary cancer-predisposing syndrome. Last evaluated: 2023-02-25. Review status: criteria provided, single submitter. Criteria: Ambry Variant Classification Scheme 2023. Collection method: clinical testing. Allele origin: germline.
Comment: The p.Q634R variant (also known as c.1901A>G), located in coding exon 16 of the LZTR1 gene, results from an A to G substitution at nucleotide position 1901. The glutamine at codon 634 is replaced by arginine, an amino acid with highly similar properties. This amino acid position is conserved. In addition, this alteration is predicted to be tolerated by in silico analysis. Since supporting evidence is limited at this time, the clinical significance of this alteration remains unclear.